The following is an entry in ClinVar:

ClinVar aggregate classification (germline): Likely benign (0 of 4 stars; one submission).

Conditions:
MPEG1-related disorder. Also called: MPEG1-related condition.

Allele frequency attached by ClinVar (database versions not stated): 1000 Genomes Project 30x 0.00078; gnomAD 0.00147; ESP Exome Variant Server 0.00158; 1000 Genomes Project 0.00080; ExAC 0.00125.

Submission:

PreventionGenetics, part of Exact Sciences
Classification: Likely benign for MPEG1-related condition. Last evaluated: 2023-02-28. Review status: no assertion criteria provided. Collection method: clinical testing. Allele origin: germline.
Comment: This variant is classified as likely benign based on ACMG/AMP sequence variant interpretation guidelines (Richards et al. 2015 PMID: 25741868, with internal and published modifications).

NM_001039396.2(MPEG1):c.491C>T (p.Thr164Ile)

Gene: MPEG1 (macrophage expressed 1; minus strand). Cytogenetic location: 11q12.1.
Variant type: single nucleotide variant.
Coding change: c.491C>T on transcript NM_001039396.2 (MANE Select); coding-DNA position 491, C replaced by T.
Protein change: p.Thr164Ile; replaces threonine 164 with isoleucine.
Molecular consequence: missense variant.
Genome position (GRCh38, 1-based): chr11:59,212,375, G>A on the plus strand (C>T on the coding strand, the complement: MPEG1 is on the minus strand). VCF-style: chr11-59212375-G-A. GRCh37 (hg19) VCF-style: chr11-58979848-G-A.
Other names: short protein forms T164I.
Identifiers: ClinVar variation 3033719 (VCV003033719.2), dbSNP rs200830689, ClinGen allele CA6017739.